The following is an entry in ClinVar:

ClinVar aggregate classification (germline): Uncertain significance (1 of 4 stars; one submission).

Submission:

GeneDx
Classification: Uncertain significance. Last evaluated: 2024-03-11. Review status: criteria provided, single submitter. Criteria: GeneDx Variant Classification Process June 2021. Collection method: clinical testing. Allele origin: germline. Affected: yes.
Comment: Not observed at significant frequency in large population cohorts (gnomAD); In silico analysis supports that this missense variant does not alter protein structure/function; Has not been previously published as pathogenic or benign to our knowledge

NM_001287491.2(TET3):c.2115C>G (p.Asp705Glu)

Gene: TET3 (tet methylcytosine dioxygenase 3; plus strand). Cytogenetic location: 2p13.1.
Variant type: single nucleotide variant.
Coding change: c.2115C>G on transcript NM_001287491.2 (MANE Select); coding-DNA position 2115, C replaced by G.
Protein change: p.Asp705Glu; replaces aspartic acid 705 with glutamic acid.
Molecular consequence: missense variant.
Genome position (GRCh38, 1-based): chr2:74,048,032, C>G. VCF-style: chr2-74048032-C-G. GRCh37 (hg19) VCF-style: chr2-74275159-C-G.
Other names: c.1836C>G, p.Asp612Glu (NM_001366022.1); short protein forms D612E, D705E.
Identifiers: ClinVar variation 3370812 (VCV003370812.1).